The following is an entry in ClinVar:

ClinVar aggregate classification (germline): Likely benign. Review status: criteria provided, multiple submitters, no conflicts (2 of 4 stars). 3 submissions from 3 submitters: Likely benign (3). Last evaluated 2024-02-01.

Conditions:
Charcot-Marie-Tooth disease axonal type 2O. Also called: Charcot-Marie-Tooth Neuropathy Type 2O; Charcot-Marie-Tooth disease, axonal, type 20; CHARCOT-MARIE-TOOTH NEUROPATHY, AXONAL, TYPE 2O; CHARCOT-MARIE-TOOTH DISEASE, AXONAL, AUTOSOMAL DOMINANT, TYPE 2O. Identifiers: Orphanet 284232, MedGen C3280220, MONDO:0013644, OMIM 614228.

Allele frequency attached by ClinVar (database versions not stated): TOPMed 0.00001.

Submissions (3):

CeGaT Center for Human Genetics Tuebingen
Classification: Likely benign. Last evaluated: 2024-02-01. Review status: criteria provided, single submitter. Criteria: CeGaT Center For Human Genetics Tuebingen Variant Classification Criteria Version 2. Collection method: clinical testing. Allele origin: germline. Affected: yes. Observed: 1 variant allele.
Comment: DYNC1H1: BP4, BP7

Labcorp Genetics (formerly Invitae), Labcorp
Classification: Likely benign for Charcot-Marie-Tooth disease axonal type 2O. Last evaluated: 2023-12-07. Review status: criteria provided, single submitter. Criteria: Invitae Variant Classification Sherloc (09022015). Collection method: clinical testing. Allele origin: germline.

Blueprint Genetics
Classification: Likely benign. Last evaluated: 2021-10-21. Review status: criteria provided, single submitter. Criteria: ACMG Guidelines, 2015. Collection method: clinical testing. Allele origin: germline.

NM_001376.5(DYNC1H1):c.2085G>A (p.Thr695=)

Gene: DYNC1H1 (dynein cytoplasmic 1 heavy chain 1; plus strand). Cytogenetic location: 14q32.31.
Variant type: single nucleotide variant.
Coding change: c.2085G>A on transcript NM_001376.5 (MANE Select); coding-DNA position 2085, G replaced by A.
Protein change: p.Thr695=; no amino-acid change (threonine 695 retained).
Molecular consequence: synonymous variant.
Genome position (GRCh38, 1-based): chr14:101,986,310, G>A. VCF-style: chr14-101986310-G-A. GRCh37 (hg19) VCF-style: chr14-102452647-G-A.
Identifiers: ClinVar variation 751891 (VCV000751891.32), dbSNP rs755760078, ClinGen allele CA7351768.
Genomic context (GRCh38, chr14:101,986,310, plus strand): 5'-TCACGTGGAGGGGCAGAAGCTGAAGCAGGATGGAGACAGCTTCCGCATGAAGCTCAACAC[G>A]CAGGAGATCTTTGATGACTGGGCAAGGAAGGTGCAGCAGCGCAACCTCGGTGTCTCGGGG-3'
Protein context (NP_001367.2, residues 685-705): DGDSFRMKLN[Thr695=]QEIFDDWARK